The following is an entry in ClinVar:

ClinVar aggregate classification (germline): Uncertain significance. Review status: criteria provided, multiple submitters, no conflicts (2 of 4 stars). 7 submissions from 7 submitters: Uncertain significance (6). 1 of the submissions does not count toward it. Last evaluated 2026-05-22.

Conditions:
Cohen syndrome (COH1). Also called: PEPPER SYNDROME; Cutis verticis gyrata, retinitis pigmentosa, and sensorineural deafness. Identifiers: Orphanet 193, MedGen C0265223, MONDO:0008999, OMIM 216550.
VPS13B-related disorder. Also called: VPS13B-related condition.
Inborn genetic diseases. Identifiers: MedGen C0950123, MeSH D030342.

Allele frequency attached by ClinVar (database versions not stated): ExAC 0.00002; gnomAD exomes 0.00002 and 0.00006; gnomAD 0.00003 and 0.00004.
gnomAD v4.1: 29 of 1,613,948 alleles (0.0018%); highest among the groups gnomAD compares: Admixed American, 0.023%; no homozygotes.

Submissions (7):

PreventionGenetics, part of Exact Sciences
Classification: Uncertain significance for VPS13B-related condition. Last evaluated: 2026-05-22. Review status: criteria provided, single submitter. Criteria: ACMG Guidelines, 2015. Collection method: clinical testing. Allele origin: germline.
Comment: The VPS13B c.5663T>C variant is predicted to result in the amino acid substitution p.Ile1888Thr. To our knowledge, this variant has not been reported in the literature. This variant is reported in 0.023% of alleles in individuals of Latino descent in gnomAD. At this time, the clinical significance of this variant is uncertain due to the absence of conclusive functional and genetic evidence.

Blueprint Genetics
Classification: Uncertain significance. Last evaluated: 2024-03-16. Review status: criteria provided, single submitter. Criteria: ACMG Guidelines, 2015. Collection method: clinical testing. Allele origin: germline.

Ambry Genetics
Classification: Uncertain significance for Inborn genetic diseases. Last evaluated: 2023-04-25. Review status: criteria provided, single submitter. Criteria: Ambry Variant Classification Scheme 2023. Collection method: clinical testing. Allele origin: germline.

Labcorp Genetics (formerly Invitae), Labcorp
Classification: Uncertain significance for Cohen syndrome. Last evaluated: 2022-08-09. Review status: criteria provided, single submitter. Criteria: Invitae Variant Classification Sherloc (09022015). Collection method: clinical testing. Allele origin: germline.
Comment: This sequence change replaces isoleucine, which is neutral and non-polar, with threonine, which is neutral and polar, at codon 1913 of the VPS13B protein (p.Ile1913Thr). This variant is present in population databases (rs779082817, gnomAD 0.03%). This variant has not been reported in the literature in individuals affected with VPS13B-related conditions. ClinVar contains an entry for this variant (Variation ID: 361068). Algorithms developed to predict the effect of missense changes on protein structure and function are either unavailable or do not agree on the potential impact of this missense change (SIFT: "Not Available"; PolyPhen-2: "Benign"; Align-GVGD: "Not Available"). In summary, the available evidence is currently insufficient to determine the role of this variant in disease. Therefore, it has been classified as a Variant of Uncertain Significance.

Illumina Laboratory Services, Illumina
Classification: Uncertain significance for Cohen syndrome. Last evaluated: 2018-01-13. Review status: criteria provided, single submitter. Criteria: ICSL Variant Classification Criteria 13 December 2019. Collection method: clinical testing. Allele origin: germline.

Genetic Services Laboratory, University of Chicago
Classification: Uncertain significance. Last evaluated: 2017-01-30. Review status: criteria provided, single submitter. Criteria: ACMG Guidelines, 2015. Collection method: clinical testing. Allele origin: germline. Affected: no.

Natera, Inc.
Classification: Uncertain significance for Cohen syndrome. Last evaluated: 2020-03-12. Review status: no assertion criteria provided. Collection method: clinical testing. Allele origin: germline. Not counted in ClinVar's aggregate classification.

NM_152564.5(VPS13B):c.5663T>C (p.Ile1888Thr)

Gene: VPS13B (vacuolar protein sorting 13 homolog B; plus strand). Cytogenetic location: 8q22.2.
Variant type: single nucleotide variant.
Coding change: c.5663T>C on transcript NM_152564.5 (MANE Select); coding-DNA position 5663, T replaced by C.
Protein change: p.Ile1888Thr; replaces isoleucine 1888 with threonine.
Molecular consequence: missense variant.
Genome position (GRCh38, 1-based): chr8:99,642,253, T>C. VCF-style: chr8-99642253-T-C. GRCh37 (hg19) VCF-style: chr8-100654481-T-C.
Other names: c.5738T>C, p.Ile1913Thr (NM_017890.5); c.5663T>C (NM_152564.4); c.5738T>C (NM_017890.3); short protein forms I1913T, I1888T.
Identifiers: ClinVar variation 361068 (VCV000361068.20), dbSNP rs779082817, ClinGen allele CA4823855.